The following is an entry in ClinVar:

NM_001271.4(CHD2):c.3782G>C (p.Trp1261Ser)

Gene: CHD2 (chromodomain helicase DNA binding protein 2; plus strand). Cytogenetic location: 15q26.1.
Variant type: single nucleotide variant.
Coding change: c.3782G>C on transcript NM_001271.4 (MANE Select); coding-DNA position 3782, G replaced by C.
Protein change: p.Trp1261Ser; replaces tryptophan 1261 with serine.
Molecular consequence: missense variant.
Genome position (GRCh38, 1-based): chr15:92,997,300, G>C. VCF-style: chr15-92997300-G-C. GRCh37 (hg19) VCF-style: chr15-93540530-G-C.
Other names: c.3782G>C (NM_001271.3); short protein forms W1261S.
Identifiers: ClinVar variation 2810326 (VCV002810326.6), dbSNP rs1555444603, ClinGen allele CA393898407.
Genomic context (GRCh38, chr15:92,997,300, plus strand): 5'-AAACTTTCTTTAGATACTGCTTAACCTGTCGTGTCAAAGCTGCACATTTTGATGTAGAGT[G>C]GGGGGTGGAAGATGATTCTCGCCTGTTGCTGGGGATTTATGAACATGGCTATGGAAACTG-3'
Protein context (NP_001262.3, residues 1251-1271): RVKAAHFDVE[Trp1261Ser]GVEDDSRLLL

ClinVar aggregate classification (germline): Pathogenic/Likely pathogenic. Review status: criteria provided, multiple submitters, no conflicts (2 of 4 stars). 3 submissions from 3 submitters: Pathogenic (2); Likely pathogenic (1). Last evaluated 2025-04-08.

Conditions:
Developmental and epileptic encephalopathy 94 (DEE94). Also called: CHD2-Related Neurodevelopmental Disorders; Epileptic encephalopathy, childhood-onset. Identifiers: Orphanet 1942, Orphanet 2382, MedGen C3809278, MONDO:0014150, OMIM 615369.

Submissions (3):

Women's Health and Genetics/Laboratory Corporation of America, LabCorp
Classification: Pathogenic for Developmental and epileptic encephalopathy 94. Last evaluated: 2025-04-08. Review status: criteria provided, single submitter. Criteria: LabCorp Variant Classification Summary - May 2015. Collection method: clinical testing. Allele origin: germline.
Comment: Variant summary: CHD2 c.3782G>C (p.Trp1261Ser) results in a non-conservative amino acid change in the encoded protein sequence. Five of five in-silico tools predict a damaging effect of the variant on protein function. The variant was absent in 250948 control chromosomes (gnomAD V2 and V4). c.3782G>C has been reported in the literature as de novo in individuals affected with features of Developmental And Epileptic Encephalopathy 94 (example: Maria_2022, Internal data). These data indicate that the variant is very likely to be associated with disease. The following publication has been ascertained in the context of this evaluation (PMID: 34713950). ClinVar contains an entry for this variant (Variation ID: 2810326). Based on the evidence outlined above, the variant was classified as pathogenic.

GeneDx
Classification: Likely pathogenic. Last evaluated: 2024-11-22. Review status: criteria provided, single submitter. Criteria: GeneDx Variant Classification Process June 2021. Collection method: clinical testing. Allele origin: germline. Affected: yes.
Comment: Not observed at significant frequency in large population cohorts (gnomAD); In silico analysis supports that this missense variant has a deleterious effect on protein structure/function; This variant is associated with the following publications: (PMID: 36896643, 39068850, 34713950)

Labcorp Genetics (formerly Invitae), Labcorp
Classification: Pathogenic for Developmental and epileptic encephalopathy 94. Last evaluated: 2024-01-22. Review status: criteria provided, single submitter. Criteria: Invitae Variant Classification Sherloc (09022015). Collection method: clinical testing. Allele origin: germline.
Comment: This sequence change replaces tryptophan, which is neutral and slightly polar, with serine, which is neutral and polar, at codon 1261 of the CHD2 protein (p.Trp1261Ser). This variant is not present in population databases (gnomAD no frequency). This missense change has been observed in individual(s) with clinical features of CHD2-related conditions (PMID: 34713950; Invitae). In at least one individual the variant was observed to be de novo. Advanced modeling of protein sequence and biophysical properties (such as structural, functional, and spatial information, amino acid conservation, physicochemical variation, residue mobility, and thermodynamic stability) performed at Invitae indicates that this missense variant is expected to disrupt CHD2 protein function with a positive predictive value of 95%. This variant disrupts the p.Trp1261 amino acid residue in CHD2. Other variant(s) that disrupt this residue have been determined to be pathogenic (PMID: 31618753). This suggests that this residue is clinically significant, and that variants that disrupt this residue are likely to be disease-causing. For these reasons, this variant has been classified as Pathogenic.

Literature cited by the submitters: PubMed 34713950 (cited by Women's Health and Genetics/Laboratory Corporation of America, LabCorp and Labcorp Genetics (formerly Invitae), Labcorp); PubMed 31618753 (cited by Labcorp Genetics (formerly Invitae), Labcorp).